The following is an entry in ClinVar:

NM_002661.5(PLCG2):c.1311T>G (p.Ser437Arg)

Gene: PLCG2 (phospholipase C gamma 2; plus strand). Cytogenetic location: 16q23.3.
Variant type: single nucleotide variant.
Coding change: c.1311T>G on transcript NM_002661.5 (MANE Select); coding-DNA position 1311, T replaced by G.
Protein change: p.Ser437Arg; replaces serine 437 with arginine.
Molecular consequence: missense variant.
Genome position (GRCh38, 1-based): chr16:81,900,729, T>G. VCF-style: chr16-81900729-T-G. GRCh37 (hg19) VCF-style: chr16-81934334-T-G.
Other names: c.1311T>G, p.Ser437Arg (NM_001425749.1, NM_001425750.1, NM_001425751.1); short protein forms S437R.
Identifiers: ClinVar variation 4730256 (VCV004730256.1).
Genomic context (GRCh38, chr16:81,900,729, plus strand): 5'-GGCCAAGGCCTTCAAGGAAGTATTTGGCGACCTGCTGTTGACGAAGCCCACGGAGGCCAG[T>G]GCTGACCAGCTGCCCTCGCCCAGCCAGCTGCGGGAGAAGATCATCATCAAGGTAGGCACC-3'
Protein context (NP_002652.2, residues 427-447): DLLLTKPTEA[Ser437Arg]ADQLPSPSQL

ClinVar aggregate classification (germline): Uncertain significance (1 of 4 stars; one submission).

Conditions:
Familial cold autoinflammatory syndrome 3 (FCAS3). Also called: FAMILIAL ATYPICAL COLD URTICARIA; ANTIBODY DEFICIENCY AND IMMUNE DYSREGULATION, PLCG2-ASSOCIATED. Identifiers: Orphanet 300359, MedGen C3280914, MONDO:0013766, OMIM 614468.

Submission:

Labcorp Genetics (formerly Invitae), Labcorp
Classification: Uncertain significance for Familial cold autoinflammatory syndrome 3. Last evaluated: 2025-10-31. Review status: criteria provided, single submitter. Criteria: Invitae Variant Classification Sherloc (09022015). Collection method: clinical testing. Allele origin: germline.
Comment: This sequence change replaces serine, which is neutral and polar, with arginine, which is basic and polar, at codon 437 of the PLCG2 protein (p.Ser437Arg). This variant is not present in population databases (gnomAD no frequency). This variant has not been reported in the literature in individuals affected with PLCG2-related conditions. An algorithm developed to predict the effect of missense changes on protein structure and function (PolyPhen-2) suggests that this variant is likely to be disruptive. In summary, the available evidence is currently insufficient to determine the role of this variant in disease. Therefore, it has been classified as a Variant of Uncertain Significance.